The following is an entry in ClinVar:

ClinVar aggregate classification (germline): Benign/Likely benign. Review status: criteria provided, multiple submitters, no conflicts (2 of 4 stars). 10 submissions from 10 submitters: Benign (2); Likely benign (7). 1 of the submissions does not count toward it. Last evaluated 2026-01-12.

Conditions:
Hereditary cancer-predisposing syndrome. Also called: Hereditary Cancer Syndrome; Hereditary neoplastic syndrome; Neoplastic Syndromes, Hereditary; Tumor predisposition. Identifiers: Orphanet 140162, MedGen C0027672, MeSH D009386, MONDO:0015356.
Breast-ovarian cancer, familial, susceptibility to, 4. Identifiers: Orphanet 145, MedGen C3280345, MONDO:0013669, OMIM 614291.

Allele frequency attached by ClinVar (database versions not stated): ExAC 0.00002; gnomAD exomes 0.00002 and 0.00003; gnomAD 0.00006; TOPMed 0.00006.
gnomAD v4.1: 39 of 1,612,320 alleles (0.0024%); highest among the groups gnomAD compares: Admixed American, 0.03%; no homozygotes.

Submissions (10):

Labcorp Genetics (formerly Invitae), Labcorp
Classification: Likely benign for Breast-ovarian cancer, familial, susceptibility to, 4. Last evaluated: 2026-01-12. Review status: criteria provided, single submitter. Criteria: Invitae Variant Classification Sherloc (09022015). Collection method: clinical testing. Allele origin: germline.

Quest Diagnostics Nichols Institute San Juan Capistrano
Classification: Likely benign. Last evaluated: 2025-10-23. Review status: criteria provided, single submitter. Criteria: Quest Diagnostics criteria. Collection method: clinical testing. Allele origin: unknown.

Molecular Diagnostics Laboratory, Catalan Institute of Oncology
Classification: Likely benign for Hereditary cancer-predisposing syndrome. Last evaluated: 2025-01-22. Review status: criteria provided, single submitter. Criteria: ACMG Guidelines, 2015. Collection method: clinical testing. Allele origin: germline.
Comment: BP4, BP7 c.263+7G>A is an intronic variant not very close to a canonical splice site, where the SpliceAI algorithm predicts no significant impact on splicing (BP4 and BP7). This variant is found in 6/268236 alleles at a frequency of 0.0022% in the gnomAD v2.1.1 database, non-cancer dataset. To our knowledge, neither relevant clinical data nor functional studies have been reported for this variant. It has only been reported in ClinVar (8x as likely benign). Based on currently available information, the variant c.263+7G>A should be considered a likely benign variant.

Women's Health and Genetics/Laboratory Corporation of America, LabCorp
Classification: Benign. Last evaluated: 2025-01-13. Review status: criteria provided, single submitter. Criteria: LabCorp Variant Classification Summary - May 2015. Collection method: clinical testing. Allele origin: germline.
Comment: Variant summary: RAD51D c.263+7G>A alters a non-conserved nucleotide located close to a canonical splice site and therefore could affect mRNA splicing, leading to a significantly altered protein sequence. Consensus agreement among computation tools predict no significant impact on normal splicing. However, these predictions have yet to be confirmed by functional studies. The variant allele was found at a frequency of 2.4e-05 in 1605330 control chromosomes, predominantly at a frequency of 0.0003 within the Latino subpopulation in the gnomAD database (v4.1 dataset). The observed variant frequency within Latino control individuals in the gnomAD database is approximately 2.4-fold of the estimated maximal expected allele frequency for a pathogenic variant in RAD51D causing Hereditary Breast And Ovarian Cancer Syndrome phenotype (0.00013). To our knowledge, no occurrence of c.263+7G>A in individuals affected with Hereditary Breast And Ovarian Cancer Syndrome and no experimental evidence demonstrating its impact on protein function have been reported. ClinVar contains an entry for this variant (Variation ID: 384514). Based on the evidence outlined above, the variant was classified as benign.

Myriad Genetics, Inc.
Classification: Benign for Breast-ovarian cancer, familial, susceptibility to, 4. Last evaluated: 2024-12-13. Review status: criteria provided, single submitter. Criteria: Myriad Autosomal Dominant, Autosomal Recessive and X-Linked Classification Criteria (2023). Collection method: clinical testing. Allele origin: unknown.
Comment: This variant is considered benign. This variant is intronic and is not expected to impact mRNA splicing. This variant is strongly associated with less severe personal and family histories of cancer, typical for individuals without pathogenic variants in this gene [PMID: 25085752].

Sema4
Classification: Likely benign for Hereditary cancer-predisposing syndrome. Last evaluated: 2021-04-12. Review status: criteria provided, single submitter. Criteria: Sema4 Curation Guidelines. Collection method: curation. Allele origin: germline.

Mendelics
Classification: Likely benign for Breast-ovarian cancer, familial, susceptibility to, 4. Last evaluated: 2019-05-28. Review status: criteria provided, single submitter. Criteria: Mendelics Assertion Criteria 2017. Collection method: clinical testing. Allele origin: unknown.

Color Diagnostics, LLC DBA Color Health
Classification: Likely benign for Hereditary cancer-predisposing syndrome. Last evaluated: 2017-04-04. Review status: criteria provided, single submitter. Criteria: ACMG Guidelines, 2015. Collection method: clinical testing. Allele origin: germline.

GeneDx
Classification: Likely benign. Last evaluated: 2016-12-06. Review status: criteria provided, single submitter. Criteria: GeneDx Variant Classification (06012015). Collection method: clinical testing. Allele origin: germline. Affected: yes.
Comment: This variant is considered likely benign or benign based on one or more of the following criteria: it is a conservative change, it occurs at a poorly conserved position in the protein, it is predicted to be benign by multiple in silico algorithms, and/or has population frequency not consistent with disease.

Counsyl
Classification: Likely benign for Breast-ovarian cancer, familial, susceptibility to, 4. Last evaluated: 2018-02-23. Review status: no assertion criteria provided. Collection method: clinical testing. Allele origin: unknown. Not counted in ClinVar's aggregate classification.

Literature cited by the submitters: PubMed 25085752 (cited by Myriad Genetics, Inc.).

NM_002878.4(RAD51D):c.263+7G>A

Genes: RAD51D (RAD51 paralog D; minus strand), RAD51L3-RFFL (RAD51L3-RFFL readthrough; minus strand). Cytogenetic location: 17q12.
Variant type: single nucleotide variant.
Coding change: c.263+7G>A on transcript NM_002878.4 (MANE Select); 7 bases into the intron after coding-DNA position 263, G replaced by A.
Molecular consequence: intron variant.
Genome position (GRCh38, 1-based): chr17:35,118,494, C>T on the plus strand (G>A on the coding strand, the complement: RAD51D is on the minus strand). VCF-style: chr17-35118494-C-T. GRCh37 (hg19) VCF-style: chr17-33445513-C-T.
Other names: c.144+617G>A (NM_133629.3, NM_001142571.2).
Identifiers: ClinVar variation 384514 (VCV000384514.24), dbSNP rs56218020, ClinGen allele CA8499616.